The following is an entry in ClinVar:

NM_014975.3(MAST1):c.3231C>G (p.Asn1077Lys)

Gene: MAST1 (microtubule associated serine/threonine kinase 1; plus strand). Cytogenetic location: 19p13.13.
Variant type: single nucleotide variant.
Coding change: c.3231C>G on transcript NM_014975.3 (MANE Select); coding-DNA position 3231, C replaced by G.
Protein change: p.Asn1077Lys; replaces asparagine 1077 with lysine.
Molecular consequence: missense variant.
Genome position (GRCh38, 1-based): chr19:12,871,140, C>G. VCF-style: chr19-12871140-C-G. GRCh37 (hg19) VCF-style: chr19-12981954-C-G.
Other names: short protein forms N1077K.
Identifiers: ClinVar variation 3765994 (VCV003765994.1).

ClinVar aggregate classification (germline): Uncertain significance (1 of 4 stars; one submission).

Submission:

GeneDx
Classification: Uncertain significance. Last evaluated: 2024-09-01. Review status: criteria provided, single submitter. Criteria: GeneDx Variant Classification Process June 2021. Collection method: clinical testing. Allele origin: germline. Affected: yes.
Comment: Not observed at significant frequency in large population cohorts (gnomAD); In silico analysis supports that this missense variant has a deleterious effect on protein structure/function; Has not been previously published as pathogenic or benign to our knowledge